The following is an entry in ClinVar:

NM_018003.4(UACA):c.3312A>G (p.Gln1104=)

Gene: UACA (uveal autoantigen with coiled-coil domains and ankyrin repeats; minus strand). Cytogenetic location: 15q23.
Variant type: single nucleotide variant.
Coding change: c.3312A>G on transcript NM_018003.4 (MANE Select); coding-DNA position 3312, A replaced by G.
Protein change: p.Gln1104=; no amino-acid change (glutamine 1104 retained).
Molecular consequence: synonymous variant.
Genome position (GRCh38, 1-based): chr15:70,667,372, T>C on the plus strand (A>G on the coding strand, the complement: UACA is on the minus strand). VCF-style: chr15-70667372-T-C. GRCh37 (hg19) VCF-style: chr15-70959711-T-C.
Other names: c.3273A>G, p.Gln1091= (NM_001008224.3).
Identifiers: ClinVar variation 3042152 (VCV003042152.2), dbSNP rs60600939, ClinGen allele CA7636845.

ClinVar aggregate classification (germline): Benign (0 of 4 stars; one submission).

Conditions:
UACA-related disorder. Also called: UACA-related condition.

Allele frequency attached by ClinVar (database versions not stated): gnomAD exomes 0.00176; ExAC 0.00567; gnomAD 0.01447; TOPMed 0.01582; ESP Exome Variant Server 0.01735; 1000 Genomes Project 0.01797; 1000 Genomes Project 30x 0.01921.
gnomAD v4.1: 4,840 of 1,612,976 alleles (0.3%); highest among the groups gnomAD compares: African/African-American, 5.1%; 112 homozygotes.

Submission:

PreventionGenetics, part of Exact Sciences
Classification: Benign for UACA-related condition. Last evaluated: 2019-02-21. Review status: no assertion criteria provided. Collection method: clinical testing. Allele origin: germline.
Comment: This variant is classified as benign based on ACMG/AMP sequence variant interpretation guidelines (Richards et al. 2015 PMID: 25741868, with internal and published modifications).